The following is an entry in ClinVar:

ClinVar aggregate classification (germline): Pathogenic (1 of 4 stars; one submission).

Conditions:
Hereditary cancer-predisposing syndrome. Also called: Neoplastic Syndromes, Hereditary; Tumor predisposition; Hereditary Cancer Syndrome; Hereditary neoplastic syndrome. Identifiers: Orphanet 140162, MedGen C0027672, MeSH D009386, MONDO:0015356.

Submission:

Ambry Genetics
Classification: Pathogenic for Hereditary cancer-predisposing syndrome. Last evaluated: 2026-04-14. Review status: criteria provided, single submitter. Criteria: Ambry Variant Classification Scheme 2023. Collection method: clinical testing. Allele origin: germline.
Comment: The c.1165dupA pathogenic mutation, located in coding exon 10 of the CHEK2 gene, results from a duplication of A at nucleotide position 1165, causing a translational frameshift with a predicted alternate stop codon (p.T389Nfs*6). This variant is considered to be rare based on population cohorts in the Genome Aggregation Database (gnomAD). This alteration is expected to result in loss of function by premature protein truncation or nonsense-mediated mRNA decay. As such, this alteration is interpreted as a disease-causing mutation.

NM_007194.4(CHEK2):c.1165dup (p.Thr389fs)

Gene: CHEK2 (checkpoint kinase 2; minus strand). Cytogenetic location: 22q12.1.
Variant type: Duplication.
Coding change: c.1165dup on transcript NM_007194.4 (MANE Select); coding-DNA position 1165, one base duplicated (A; older notation c.1165dupA).
Protein change: p.Thr389fs; shifts the reading frame from threonine 389.
Molecular consequence: frameshift variant.
Genome position (GRCh38, 1-based): chr22:28,695,804, T duplicated on the plus strand (A on the coding strand, the reverse complement: CHEK2 is on the minus strand). VCF-style (leftmost placement, unchanged base first): chr22-28695803-G-GT. GRCh37 (hg19) VCF-style: chr22-29091791-G-GT.
Other names: c.1294dup, p.Thr432fs (NM_001005735.3); c.502dup, p.Thr168fs (NM_001257387.3, NM_001437942.1); c.964dup, p.Thr322fs (NM_001349956.3); c.1258dup, p.Thr420fs (NM_001438293.1); c.1207dup, p.Thr403fs (NM_001438294.1); c.1171dup, p.Thr391fs (NM_001438295.1); c.1078dup, p.Thr360fs (NM_145862.3); short protein forms T168fs, T322fs, T360fs, T389fs, T391fs, T403fs, T420fs, T432fs.
Identifiers: ClinVar variation 4868927 (VCV004868927.1).
Genomic context (GRCh38, chr22:28,695,803, plus strand): 5'-TCCACAGCACGGTTATACCCAGCAGTCCCAACAGAAACAAGAACTTCAGGCGCCAAGTAG[G>GT]TGGGGGTTCCACATAAGGTTCTCATGAGAGAGGTCTCTCCCAAAATCTTGGAGTGCCCAA-3'